The following is an entry in ClinVar:

NM_002184.4(IL6ST):c.1047C>T (p.Leu349=)

Gene: IL6ST (interleukin 6 cytokine family signal transducer; minus strand). Cytogenetic location: 5q11.2.
Variant type: single nucleotide variant.
Coding change: c.1047C>T on transcript NM_002184.4 (MANE Select); coding-DNA position 1047, C replaced by T.
Protein change: p.Leu349=; no amino-acid change (leucine 349 retained).
Molecular consequence: synonymous variant. On other transcripts: non-coding transcript variant (2), intron variant (2).
Genome position (GRCh38, 1-based): chr5:55,957,218, G>A on the plus strand (C>T on the coding strand, the complement: IL6ST is on the minus strand). VCF-style: chr5-55957218-G-A. GRCh37 (hg19) VCF-style: chr5-55253046-G-A.
Other names: c.1047C>T, p.Leu349= (NM_001190981.2, NM_001364275.2); c.837C>T, p.Leu279= (NM_001364276.2); c.180C>T, p.Leu60= (NM_001364277.2); c.144C>T, p.Leu48= (NM_001364278.2); c.61-983C>T (NM_001364279.2); c.974-983C>T (NM_175767.3).
Identifiers: ClinVar variation 1590660 (VCV001590660.21), dbSNP rs149109255, ClinGen allele CA3271537.

ClinVar aggregate classification (germline): Likely benign. Review status: criteria provided, multiple submitters, no conflicts (2 of 4 stars). 2 submissions from 2 submitters: Likely benign (2). Last evaluated 2025-11-04.

Allele frequency attached by ClinVar (database versions not stated): ESP Exome Variant Server 0.00008; gnomAD exomes 0.00010; ExAC 0.00011; gnomAD 0.00015 and 0.00016; TOPMed 0.00018.
gnomAD v4.1: 203 of 1,493,872 alleles (0.014%); highest among the groups gnomAD compares: Admixed American, 0.052%; 1 homozygote.

Submissions (2):

Labcorp Genetics (formerly Invitae), Labcorp
Classification: Likely benign. Last evaluated: 2025-11-04. Review status: criteria provided, single submitter. Criteria: Invitae Variant Classification Sherloc (09022015). Collection method: clinical testing. Allele origin: germline.

CeGaT Center for Human Genetics Tuebingen
Classification: Likely benign. Last evaluated: 2024-12-01. Review status: criteria provided, single submitter. Criteria: CeGaT Center For Human Genetics Tuebingen Variant Classification Criteria Version 2. Collection method: clinical testing. Allele origin: germline. Affected: yes. Observed: 1 variant allele.
Comment: IL6ST: BP4, BP7